The following is an entry in ClinVar:

NM_183050.4(BCKDHB):c.550del (p.Ser184fs)

Gene: BCKDHB (branched chain keto acid dehydrogenase E1 subunit beta; plus strand). Cytogenetic location: 6q14.1.
Variant type: Deletion.
Coding change: c.550del on transcript NM_183050.4 (MANE Select); coding-DNA position 550, one base deleted (T; older notation c.550delT).
Protein change: p.Ser184fs; shifts the reading frame from serine 184.
Molecular consequence: frameshift variant. On other transcripts: non-coding transcript variant (6).
Genome position (GRCh38, 1-based): chr6:80,168,947, T deleted. VCF-style (leftmost placement, unchanged base first): chr6-80168946-GT-G. GRCh37 (hg19) VCF-style: chr6-80878663-GT-G.
Other names: c.550del, p.Ser184fs (NM_001424042.1, NM_001424044.1, NM_001424045.1 and 8 more transcripts); c.340del, p.Ser114fs (NM_001424043.1, NM_001318975.1); short protein forms S114fs, S184fs.
Identifiers: ClinVar variation 2680131 (VCV002680131.7), dbSNP rs1235461740, ClinGen allele CA658820648.

ClinVar aggregate classification (germline): Pathogenic. Review status: criteria provided, multiple submitters, no conflicts (2 of 4 stars). 2 submissions from 2 submitters: Pathogenic (2). Last evaluated 2023-06-28.

Conditions:
Maple syrup urine disease (MSUD). Identifiers: Orphanet 511, MedGen C0024776, MeSH D008375, MONDO:0009563. Disease mechanism: loss of function.
Maple syrup urine disease type 1B (MSUD1B). Also called: MSUD type IB; MSUD type 3 (formerly); MSUD due to deficiency of e1-beta subunit of branched-chain alpha-keto acid dehydrogenase complex. Identifiers: MedGen C2930990, MONDO:0023692, OMIM 620698.

Allele frequency attached by ClinVar (database versions not stated): TOPMed 0.00001.

Submissions (2):

Labcorp Genetics (formerly Invitae), Labcorp
Classification: Pathogenic for Maple syrup urine disease. Last evaluated: 2023-06-28. Review status: criteria provided, single submitter. Criteria: Invitae Variant Classification Sherloc (09022015). Collection method: clinical testing. Allele origin: germline.
Comment: For these reasons, this variant has been classified as Pathogenic. This premature translational stop signal has been observed in individual(s) with maple syrup urine disease (PMID: 29307017, 30298499, 34556729). This variant is not present in population databases (gnomAD no frequency). This sequence change creates a premature translational stop signal (p.Ser184Profs*46) in the BCKDHB gene. It is expected to result in an absent or disrupted protein product. Loss-of-function variants in BCKDHB are known to be pathogenic (PMID: 16786533, 22593002).

Juno Genomics, Hangzhou Juno Genomics, Inc
Classification: Pathogenic for Maple syrup urine disease type 1B. Review status: criteria provided, single submitter. Criteria: ACMG Guidelines, 2015. Collection method: clinical testing. Allele origin: germline. Affected: yes.
Comment: Absent from controls (or at extremely low frequency if recessive) in Genome Aggregation Database, Exome Sequencing Project, 1000 Genomes Project, or Exome Aggregation Consortium.;Null variant in a gene where loss of function (LOF) is a known mechanism of disease.;For recessive disorders, detected in trans with a pathogenic variant.;Patient's phenotype or family history is highly specific for a disease with a single genetic etiology.

Literature cited by the submitters: PubMed 29307017 (cited by Labcorp Genetics (formerly Invitae), Labcorp); PubMed 30298499 (cited by Labcorp Genetics (formerly Invitae), Labcorp); PubMed 34556729 (cited by Labcorp Genetics (formerly Invitae), Labcorp); PubMed 16786533 (cited by Labcorp Genetics (formerly Invitae), Labcorp); PubMed 22593002 (cited by Labcorp Genetics (formerly Invitae), Labcorp).